The following is an entry in ClinVar:

NM_001122630.2(CDKN1C):c.636C>G (p.Ser212Arg)

Gene: CDKN1C (cyclin dependent kinase inhibitor 1C; minus strand). Cytogenetic location: 11p15.4.
Variant type: single nucleotide variant.
Coding change: c.636C>G on transcript NM_001122630.2 (MANE Select); coding-DNA position 636, C replaced by G.
Protein change: p.Ser212Arg; replaces serine 212 with arginine.
Molecular consequence: missense variant. On other transcripts: intron variant (1).
Genome position (GRCh38, 1-based): chr11:2,884,821, G>C on the plus strand (C>G on the coding strand, the complement: CDKN1C is on the minus strand). VCF-style: chr11-2884821-G-C. GRCh37 (hg19) VCF-style: chr11-2906051-G-C.
Other names: c.669C>G, p.Ser223Arg (NM_000076.2, NM_001362474.2); c.636C>G, p.Ser212Arg (NM_001122631.2); c.255+381C>G (NM_001362475.2); short protein forms S212R, S223R.
Identifiers: ClinVar variation 2061963 (VCV002061963.4), dbSNP rs540923047, ClinGen allele CA379145980.

ClinVar aggregate classification (germline): Uncertain significance (1 of 4 stars; one submission).

Conditions:
Beckwith-Wiedemann syndrome (BWS). Also called: EMG SYNDROME; Exomphalos macroglossia gigantism syndrome. Identifiers: Orphanet 116, MedGen C0004903, MONDO:0007534, OMIM 130650.

Submission:

Labcorp Genetics (formerly Invitae), Labcorp
Classification: Uncertain significance for Beckwith-Wiedemann syndrome. Last evaluated: 2023-02-08. Review status: criteria provided, single submitter. Criteria: Invitae Variant Classification Sherloc (09022015). Collection method: clinical testing. Allele origin: germline.
Comment: In summary, the available evidence is currently insufficient to determine the role of this variant in disease. Therefore, it has been classified as a Variant of Uncertain Significance. Advanced modeling of protein sequence and biophysical properties (such as structural, functional, and spatial information, amino acid conservation, physicochemical variation, residue mobility, and thermodynamic stability) performed at Invitae indicates that this missense variant is not expected to disrupt CDKN1C protein function. This variant has not been reported in the literature in individuals affected with CDKN1C-related conditions. This variant is not present in population databases (gnomAD no frequency). This sequence change replaces serine, which is neutral and polar, with arginine, which is basic and polar, at codon 223 of the CDKN1C protein (p.Ser223Arg).